The following is an entry in ClinVar:

NM_000022.4(ADA):c.418G>C (p.Gly140Arg)

Gene: ADA (adenosine deaminase; minus strand). Cytogenetic location: 20q13.12.
Variant type: single nucleotide variant.
Coding change: c.418G>C on transcript NM_000022.4 (MANE Select); coding-DNA position 418, G replaced by C.
Protein change: p.Gly140Arg; replaces glycine 140 with arginine.
Molecular consequence: missense variant. On other transcripts: non-coding transcript variant (1), intron variant (1).
Genome position (GRCh38, 1-based): chr20:44,625,629, C>G on the plus strand (G>C on the coding strand, the complement: ADA is on the minus strand). VCF-style: chr20-44625629-C-G. GRCh37 (hg19) VCF-style: chr20-43254270-C-G.
Other names: c.418G>C, p.Gly140Arg (NM_001322051.2); c.73+827G>C (NM_001322050.2); c.418G>C (NM_000022.3); short protein forms G140R.
Identifiers: ClinVar variation 1485898 (VCV001485898.4), dbSNP rs746917604, ClinGen allele CA9871678.

ClinVar aggregate classification (germline): Uncertain significance. Review status: criteria provided, single submitter (1 of 4 stars). 2 submissions from 2 submitters: Uncertain significance (1). 1 of the submissions does not count toward it. Last evaluated 2021-11-01.

Conditions:
Severe combined immunodeficiency, autosomal recessive, T cell-negative, B cell-negative, NK cell-negative, due to adenosine deaminase deficiency. Also called: Adenosine Deaminase Deficiency; ADA deficiency; Adenosine deaminase deficient severe combined immunodeficiency; Severe combined immunodeficiency due to ADA deficiency; ADA-SCID; SCID DUE TO ADA DEFICIENCY. Identifiers: Orphanet 277, MedGen C0392607, MONDO:0007064, OMIM 102700.

Allele frequency attached by ClinVar (database versions not stated): gnomAD exomes below 0.00001.
gnomAD v4.1: 4 of 1,583,704 alleles (0.00025%); highest among the groups gnomAD compares: Non-Finnish European, 0.00034%; no homozygotes.

Submissions (2):

Labcorp Genetics (formerly Invitae), Labcorp
Classification: Uncertain significance for Severe combined immunodeficiency, autosomal recessive, T cell-negative, B cell-negative, NK cell-negative, due to adenosine deaminase deficiency. Last evaluated: 2021-11-01. Review status: criteria provided, single submitter. Criteria: Invitae Variant Classification Sherloc (09022015). Collection method: clinical testing. Allele origin: germline.
Comment: This sequence change replaces glycine, which is neutral and non-polar, with arginine, which is basic and polar, at codon 140 of the ADA protein (p.Gly140Arg). This variant is present in population databases (rs746917604, gnomAD 0.001%). This variant has not been reported in the literature in individuals affected with ADA-related conditions. Advanced modeling of protein sequence and biophysical properties (such as structural, functional, and spatial information, amino acid conservation, physicochemical variation, residue mobility, and thermodynamic stability) performed at Invitae indicates that this missense variant is expected to disrupt ADA protein function. In summary, the available evidence is currently insufficient to determine the role of this variant in disease. Therefore, it has been classified as a Variant of Uncertain Significance.

Natera, Inc.
Classification: Uncertain significance for Severe combined immunodeficiency due to ADA deficiency. Last evaluated: 2025-03-08. Review status: no assertion criteria provided. Collection method: clinical testing. Allele origin: germline. Not counted in ClinVar's aggregate classification.